The following is an entry in ClinVar:

NM_001048174.2(MUTYH):c.381del (p.Lys127fs)

Gene: MUTYH (mutY DNA glycosylase; minus strand). Cytogenetic location: 1p34.1.
Variant type: Deletion.
Coding change: c.381del on transcript NM_001048174.2 (MANE Select); coding-DNA position 381, one base deleted (G; older notation c.381delG).
Protein change: p.Lys127fs; shifts the reading frame from lysine 127.
Molecular consequence: frameshift variant. On other transcripts: non-coding transcript variant (2).
Genome position (GRCh38, 1-based): chr1:45,332,957, C deleted on the plus strand (G on the coding strand, the reverse complement: MUTYH is on the minus strand). VCF-style (leftmost placement, unchanged base first): chr1-45332956-AC-A. GRCh37 (hg19) VCF-style: chr1-45798628-AC-A.
Other names: c.381del, p.Lys127fs (NM_001048171.2, NM_001048173.2, NM_001293195.2); c.384del, p.Lys128fs (NM_001048172.2); c.465del, p.Lys155fs (NM_001128425.2); c.426del, p.Lys142fs (NM_001293190.2); c.414del, p.Lys138fs (NM_001293191.2); c.105del, p.Lys35fs (NM_001293192.2, NM_001293196.2); c.36del, p.Lys12fs (NM_001350650.2, NM_001350651.2); c.456del, p.Lys152fs (NM_012222.3); and 1 more; short protein forms K128fs, K142fs, K12fs, K35fs, K127fs, K155fs, K138fs, K152fs.
Identifiers: ClinVar variation 545821 (VCV000545821.3), dbSNP rs1553129349, ClinGen allele CA658821076.
Genomic context (GRCh38, chr1:45,332,956, plus strand): 5'-CCTACCCTAGGGTGGCTCTCACCTCCAGGGAAGCACTGGCCAGGTCCTGCAGTGTAGGCC[AC>A]TTCTATAGCCACAGGCAGGCAGAAAGAGACAAGGTCAAGGGTGAAGGTGGTAGAGGAAGC-3'

ClinVar aggregate classification (germline): Pathogenic/Likely pathogenic. Review status: criteria provided, multiple submitters, no conflicts (2 of 4 stars). 2 submissions from 2 submitters: Pathogenic (1); Likely pathogenic (1). Last evaluated 2023-01-19.

Conditions:
Familial adenomatous polyposis 2. Also called: MUTYH Polyposis; MYH-associated polyposis; FAP type 2; MUTYH-associated polyposis; Adenomas, multiple colorectal; MUTYH-related attenuated familial adenomatous polyposis. Identifiers: Orphanet 220460, Orphanet 247798, MedGen C3272841, MONDO:0012041, OMIM 608456.

Allele frequency attached by ClinVar (database versions not stated): TOPMed below 0.00001.

Submissions (2):

Myriad Genetics, Inc.
Classification: Pathogenic for Familial adenomatous polyposis 2. Last evaluated: 2023-01-19. Review status: criteria provided, single submitter. Criteria: Myriad Autosomal Dominant, Autosomal Recessive and X-Linked Classification Criteria (2023). Collection method: clinical testing. Allele origin: unknown.
Comment: This variant is considered pathogenic. This variant creates a frameshift predicted to result in premature protein truncation.

GeneDx
Classification: Likely pathogenic. Last evaluated: 2017-09-11. Review status: criteria provided, single submitter. Criteria: GeneDx Variant Classification (06012015). Collection method: clinical testing. Allele origin: germline. Affected: yes.
Comment: This deletion of one nucleotide in MUTYH is denoted c.465delG at the cDNA level and p.Lys155AsnfsX16 (K155NfsX16) at the protein level. The normal sequence, with the base that is deleted in brackets, is agAA[delG]TGGC, where the capital letters are exonic and lowercase are intronic. The deletion causes a frameshift which changes a Lysine to an Asparagine at codon 155, and creates a premature stop codon at position 16 of the new reading frame. Although this variant has not, to our knowledge, been reported in the literature, it is predicted to cause loss of normal protein function through either protein truncation or nonsense-mediated mRNA decay. Based on the currently available evidence, we consider this deletion to be a likely pathogenic variant.